The following is an entry in ClinVar:

ClinVar aggregate classification (germline): Uncertain significance (1 of 4 stars; one submission).

Conditions:
Spermatogenic failure 18. Identifiers: MedGen C4539783, MONDO:0054615, OMIM 617576.
Ciliary dyskinesia, primary, 37 (CILD37). Also called: CILIARY DYSKINESIA, PRIMARY, 37, WITH OR WITHOUT SITUS INVERSUS. Identifiers: MedGen C4539798, MONDO:0033204, OMIM 617577.

gnomAD v4.1: 1 of 1,613,802 alleles (0.000062%); highest among the groups gnomAD compares: Non-Finnish European, 0.000085%; no homozygotes.

Submission:

Labcorp Genetics (formerly Invitae), Labcorp
Classification: Uncertain significance for Ciliary dyskinesia, primary, 37; Spermatogenic failure 18. Last evaluated: 2022-03-14. Review status: criteria provided, single submitter. Criteria: Invitae Variant Classification Sherloc (09022015). Collection method: clinical testing. Allele origin: germline.
Comment: This variant is not present in population databases (gnomAD no frequency). In summary, the available evidence is currently insufficient to determine the role of this variant in disease. Therefore, it has been classified as a Variant of Uncertain Significance. Algorithms developed to predict the effect of missense changes on protein structure and function are either unavailable or do not agree on the potential impact of this missense change (SIFT: "Deleterious"; PolyPhen-2: "Probably Damaging"; Align-GVGD: "Class C0"). This variant has not been reported in the literature in individuals affected with DNAH1-related conditions. This sequence change replaces cysteine, which is neutral and slightly polar, with glycine, which is neutral and non-polar, at codon 3853 of the DNAH1 protein (p.Cys3853Gly).

NM_015512.5(DNAH1):c.11557T>G (p.Cys3853Gly)

Gene: DNAH1 (dynein axonemal heavy chain 1; plus strand). Cytogenetic location: 3p21.1.
Variant type: single nucleotide variant.
Coding change: c.11557T>G on transcript NM_015512.5 (MANE Select); coding-DNA position 11557, T replaced by G.
Protein change: p.Cys3853Gly; replaces cysteine 3853 with glycine.
Molecular consequence: missense variant.
Genome position (GRCh38, 1-based): chr3:52,396,744, T>G. VCF-style: chr3-52396744-T-G. GRCh37 (hg19) VCF-style: chr3-52430760-T-G.
Other names: short protein forms C3853G.
Identifiers: ClinVar variation 2106556 (VCV002106556.4), dbSNP rs1704647990, ClinGen allele CA353079664.